The following is an entry in ClinVar:

NM_021167.5(GATAD1):c.176G>C (p.Gly59Ala)

Genes: GATAD1 (GATA zinc finger domain containing 1; plus strand), LOC129998793 (ATAC-STARR-seq lymphoblastoid silent region 18371; plus strand). Cytogenetic location: 7q21.2.
Variant type: single nucleotide variant.
Coding change: c.176G>C on transcript NM_021167.5 (MANE Select); coding-DNA position 176, G replaced by C.
Protein change: p.Gly59Ala; replaces glycine 59 with alanine.
Molecular consequence: missense variant. On other transcripts: non-coding transcript variant (1).
Genome position (GRCh38, 1-based): chr7:92,447,905, G>C. VCF-style: chr7-92447905-G-C. GRCh37 (hg19) VCF-style: chr7-92077219-G-C.
Other names: short protein forms G59A.
Identifiers: ClinVar variation 163496 (VCV000163496.23), dbSNP rs531449433, ClinGen allele CA176128.

ClinVar aggregate classification (germline): Likely benign. Review status: criteria provided, multiple submitters, no conflicts (2 of 4 stars). 5 submissions from 5 submitters: Likely benign (5). Last evaluated 2026-01-21.

Conditions:
Cardiovascular phenotype. Identifiers: MedGen CN230736.
GATAD1-related disorder. Also called: GATAD1-related condition.
Dilated cardiomyopathy 2B. Identifiers: Orphanet 154, MedGen C3553409, MONDO:0013848, OMIM 614672.

Allele frequency attached by ClinVar (database versions not stated): gnomAD 0.00168 and 0.00180; TOPMed 0.00200; 1000 Genomes Project 30x 0.00219; 1000 Genomes Project 0.00240.
gnomAD v4.1: 409 of 1,255,810 alleles (0.033%); highest among the groups gnomAD compares: African/African-American, 0.55%; 1 homozygote.

Submissions (5):

Labcorp Genetics (formerly Invitae), Labcorp
Classification: Likely benign for Dilated cardiomyopathy 2B. Last evaluated: 2026-01-21. Review status: criteria provided, single submitter. Criteria: Invitae Variant Classification Sherloc (09022015). Collection method: clinical testing. Allele origin: germline.

PreventionGenetics, part of Exact Sciences
Classification: Likely benign for GATAD1-related condition. Last evaluated: 2025-11-22. Review status: criteria provided, single submitter. Criteria: ACMG Guidelines, 2015. Collection method: clinical testing. Allele origin: germline.
Comment: This variant is classified as likely benign based on ACMG/AMP sequence variant interpretation guidelines (Richards et al. 2015 PMID: 25741868, with internal and published modifications).

GeneDx
Classification: Likely benign. Last evaluated: 2021-07-20. Review status: criteria provided, single submitter. Criteria: GeneDx Variant Classification Process June 2021. Collection method: clinical testing. Allele origin: germline. Affected: yes.

Ambry Genetics
Classification: Likely benign for Cardiovascular phenotype. Last evaluated: 2018-09-26. Review status: criteria provided, single submitter. Criteria: Ambry Variant Classification Scheme 2023. Collection method: clinical testing. Allele origin: germline.

Laboratory for Molecular Medicine, Mass General Brigham Personalized Medicine
Classification: Likely benign. Last evaluated: 2017-02-22. Review status: criteria provided, single submitter. Criteria: LMM Criteria. Collection method: clinical testing. Allele origin: germline. Observed: 3 variant alleles.
Comment: p.Gly59Ala in exon 1 of GATAD1: This variant is not expected to have clinical si gnificance because it has been identified in 1.1% (12/1106) of African chromosom es by the 1000 Genomes Project (dbSNP rs531449433).